The following is an entry in ClinVar:

NC_000004.12:g.78268671_78298757del

Gene: FRAS1 (Fraser extracellular matrix complex subunit 1; plus strand). Cytogenetic location: 4q21.21.
Variant type: Deletion.
Identifiers: ClinVar variation 916640 (VCV000916640.1).

ClinVar aggregate classification (germline): Pathogenic (1 of 4 stars; one submission).

Conditions:
Fraser syndrome 1 (FRASRS1). Also called: CRYPTOPHTHALMOS WITH OTHER MALFORMATIONS. Identifiers: Orphanet 2052, MedGen C4551480, MONDO:0054737, OMIM 219000.

Submission:

Service de Biochimie Médicale et Biologie Moléculaire, CHU Clermont-Ferrand
Classification: Pathogenic for Fraser syndrome 1. Last evaluated: 2018-09-14. Review status: criteria provided, single submitter. Criteria: ACMG Guidelines, 2015. Collection method: clinical testing. Allele origin: inherited. Inheritance: Autosomal recessive inheritance. Affected: yes.
Comment: This variant in homozygous state or compound heterozygous state induced Fraser syndrome phenotype